The following is an entry in ClinVar:

NM_000742.4(CHRNA2):c.1039G>A (p.Val347Ile)

Gene: CHRNA2 (cholinergic receptor nicotinic alpha 2 subunit; minus strand). Cytogenetic location: 8p21.2.
Variant type: single nucleotide variant.
Coding change: c.1039G>A on transcript NM_000742.4 (MANE Select); coding-DNA position 1039, G replaced by A.
Protein change: p.Val347Ile; replaces valine 347 with isoleucine.
Molecular consequence: missense variant.
Genome position (GRCh38, 1-based): chr8:27,463,404, C>T on the plus strand (G>A on the coding strand, the complement: CHRNA2 is on the minus strand). VCF-style: chr8-27463404-C-T. GRCh37 (hg19) VCF-style: chr8-27320921-C-T.
Other names: c.994G>A, p.Val332Ile (NM_001282455.2); c.562G>A, p.Val188Ile (NM_001347705.2, NM_001347706.2); c.445G>A, p.Val149Ile (NM_001347707.2, NM_001347708.2); short protein forms V347I, V332I, V188I, V149I.
Identifiers: ClinVar variation 391697 (VCV000391697.7), dbSNP rs1057524196, ClinGen allele CA16605218.

ClinVar aggregate classification (germline): Uncertain significance. Review status: criteria provided, multiple submitters, no conflicts (2 of 4 stars). 2 submissions from 2 submitters: Uncertain significance (2). Last evaluated 2020-01-29.

Conditions:
Familial sleep-related hypermotor epilepsy. Also called: Autosomal Dominant Sleep-Related Hypermotor (Hyperkinetic) Epilepsy. Identifiers: Orphanet 98784, MedGen C3696898, MONDO:0000030.

Allele frequency attached by ClinVar (database versions not stated): gnomAD exomes below 0.00001.

Submissions (2):

Labcorp Genetics (formerly Invitae), Labcorp
Classification: Uncertain significance. Last evaluated: 2020-01-29. Review status: criteria provided, single submitter. Criteria: Invitae Variant Classification Sherloc (09022015). Collection method: clinical testing. Allele origin: germline.
Comment: In summary, the available evidence is currently insufficient to determine the role of this variant in disease. Therefore, it has been classified as a Variant of Uncertain Significance. Algorithms developed to predict the effect of missense changes on protein structure and function (SIFT, PolyPhen-2, Align-GVGD) all suggest that this variant is likely to be disruptive, but these predictions have not been confirmed by published functional studies and their clinical significance is uncertain. This variant has not been reported in the literature in individuals with CHRNA2-related conditions. ClinVar contains an entry for this variant (Variation ID: 391697). This variant is not present in population databases (ExAC no frequency). This sequence change replaces valine with isoleucine at codon 347 of the CHRNA2 protein (p.Val347Ile). The valine residue is highly conserved and there is a small physicochemical difference between valine and isoleucine.

GeneDx
Classification: Uncertain significance. Last evaluated: 2016-12-15. Review status: criteria provided, single submitter. Criteria: GeneDx Variant Classification (06012015). Collection method: clinical testing. Allele origin: germline. Affected: yes.
Comment: A variant of uncertain significance has been identified in the CHRNA2 gene. The V347I variant has not been published as a pathogenic variant, nor has it been reported as a benign variant to our knowledge. The V347I variant is not observed in large population cohorts (Lek et al., 2016; 1000 Genomes Consortium et al., 2015; Exome Variant Server. This substitution occurs at a position that is conserved across species. However, the V347I variant is a conservative amino acid substitution, which is not likely to impact secondary protein structure as these residues share similar properties and in silico analysis is inconsistent in its predictions as to whether or not the variant is damaging to the protein structure/function. Additionally, this amino acid substitution is not predicted to occur within the transmembrane region of the protein, where the vast majority of pathogenic missense variants have been identified in association with epilepsy (Steinlein et al., 2010). Therefore, based on the currently available information, it is unclear whether this variant is a pathogenic variant or a rare benign variant.